The following is an entry in ClinVar:

NM_001142864.4(PIEZO1):c.1504C>T (p.Arg502Cys)

Genes: HSALR1 (HSP90AB1 associated lncRNA 1; plus strand), PIEZO1 (piezo type mechanosensitive ion channel component 1 (Er blood group); minus strand). Cytogenetic location: 16q24.3.
Variant type: single nucleotide variant.
Coding change: c.1504C>T on transcript NM_001142864.4 (MANE Select); coding-DNA position 1504, C replaced by T.
Protein change: p.Arg502Cys; replaces arginine 502 with cysteine.
Molecular consequence: missense variant.
Genome position (GRCh38, 1-based): chr16:88,736,201, G>A on the plus strand (C>T on the coding strand, the complement: PIEZO1 is on the minus strand). VCF-style: chr16-88736201-G-A. GRCh37 (hg19) VCF-style: chr16-88802609-G-A.
Other names: c.1504C>T (NM_001142864.3); short protein forms R502C.
Identifiers: ClinVar variation 1162807 (VCV001162807.17), dbSNP rs750545429, ClinGen allele CA8232988.

ClinVar aggregate classification (germline): Conflicting classifications of pathogenicity. Review status: criteria provided, conflicting classifications (1 of 4 stars). 6 submissions from 6 submitters: Uncertain significance (4); Benign (1); Likely benign (1). Last evaluated 2026-08-14.

Conditions:
PIEZO1-related disorder. Also called: PIEZO1-Related Disorders; PIEZO1-related condition.
Inborn genetic diseases. Identifiers: MedGen C0950123, MeSH D030342.

Allele frequency attached by ClinVar (database versions not stated): gnomAD exomes 0.00006; gnomAD 0.00007; TOPMed 0.00008.
gnomAD v4.1: 87 of 1,549,452 alleles (0.0056%); highest among the groups gnomAD compares: Admixed American, 0.0078%; no homozygotes.

Submissions (6):

PreventionGenetics, part of Exact Sciences
Classification: Uncertain significance for PIEZO1-related condition. Last evaluated: 2026-08-14. Review status: criteria provided, single submitter. Criteria: ACMG Guidelines, 2015. Collection method: clinical testing. Allele origin: germline.
Comment: The PIEZO1 c.1504C>T variant is predicted to result in the amino acid substitution p.Arg502Cys. To our knowledge, this variant has not been reported in the literature. This variant is reported in 0.0083% of alleles in individuals of European (Non-Finnish) descent in gnomAD. At this time, the clinical significance of this variant is uncertain due to the absence of conclusive functional and genetic evidence.

Labcorp Genetics (formerly Invitae), Labcorp
Classification: Benign. Last evaluated: 2025-04-03. Review status: criteria provided, single submitter. Criteria: Invitae Variant Classification Sherloc (09022015). Collection method: clinical testing. Allele origin: germline.

Ambry Genetics
Classification: Uncertain significance for Inborn genetic diseases. Last evaluated: 2025-03-20. Review status: criteria provided, single submitter. Criteria: Ambry Variant Classification Scheme 2023. Collection method: clinical testing. Allele origin: germline.

Revvity Omics, Revvity
Classification: Uncertain significance. Last evaluated: 2023-07-25. Review status: criteria provided, single submitter. Criteria: ACMG Guidelines, 2015. Collection method: clinical testing. Allele origin: germline.

ARUP Laboratories, Molecular Genetics and Genomics, ARUP Laboratories
Classification: Likely benign. Last evaluated: 2020-11-02. Review status: criteria provided, single submitter. Criteria: ARUP Molecular Germline Variant Investigation Process 2021. Collection method: clinical testing. Allele origin: germline.

Mayo Clinic Laboratories, Mayo Clinic
Classification: Uncertain significance. Last evaluated: 2019-06-07. Review status: criteria provided, single submitter. Criteria: ACMG Guidelines, 2015. Collection method: clinical testing. Allele origin: germline. Observed: 1 variant allele.